The following is an entry in ClinVar:

ClinVar aggregate classification (germline): Uncertain significance (1 of 4 stars; one submission).

Conditions:
Dilated cardiomyopathy 1W (CMD1W). Identifiers: Orphanet 154, MedGen C1969639, MONDO:0012667, OMIM 611407.

Allele frequency attached by ClinVar (database versions not stated): gnomAD exomes below 0.00001.
gnomAD v4.1: 2 of 1,614,182 alleles (0.00012%); highest among the groups gnomAD compares: Non-Finnish European, 0.00017%; no homozygotes.

Submission:

Labcorp Genetics (formerly Invitae), Labcorp
Classification: Uncertain significance for Dilated cardiomyopathy 1W. Last evaluated: 2023-12-21. Review status: criteria provided, single submitter. Criteria: Invitae Variant Classification Sherloc (09022015). Collection method: clinical testing. Allele origin: germline.
Comment: This sequence change replaces lysine, which is basic and polar, with threonine, which is neutral and polar, at codon 352 of the VCL protein (p.Lys352Thr). This variant is not present in population databases (gnomAD no frequency). This variant has not been reported in the literature in individuals affected with VCL-related conditions. An algorithm developed to predict the effect of missense changes on protein structure and function (PolyPhen-2) suggests that this variant is likely to be disruptive. In summary, the available evidence is currently insufficient to determine the role of this variant in disease. Therefore, it has been classified as a Variant of Uncertain Significance.

NM_014000.3(VCL):c.1055A>C (p.Lys352Thr)

Gene: VCL (vinculin; plus strand). Cytogenetic location: 10q22.2.
Variant type: single nucleotide variant.
Coding change: c.1055A>C on transcript NM_014000.3 (MANE Select); coding-DNA position 1055, A replaced by C.
Protein change: p.Lys352Thr; replaces lysine 352 with threonine.
Molecular consequence: missense variant.
Genome position (GRCh38, 1-based): chr10:74,089,228, A>C. VCF-style: chr10-74089228-A-C. GRCh37 (hg19) VCF-style: chr10-75848986-A-C.
Other names: c.1055A>C, p.Lys352Thr (NM_003373.4); short protein forms K352T.
Identifiers: ClinVar variation 2894584 (VCV002894584.3), dbSNP rs2549222635, ClinGen allele CA377272330.